The following is an entry in ClinVar:

NM_001368067.1(LDB3):c.430G>C (p.Gly144Arg)

Genes: LDB3 (LIM domain binding 3; plus strand), LOC110121486 (VISTA enhancer hs2143; plus strand). Cytogenetic location: 10q23.2.
Variant type: single nucleotide variant.
Coding change: c.430G>C on transcript NM_001368067.1 (MANE Plus Clinical); coding-DNA position 430, G replaced by C.
Protein change: p.Gly144Arg; replaces glycine 144 with arginine.
Molecular consequence: missense variant. On other transcripts: intron variant (5).
Genome position (GRCh38, 1-based): chr10:86,687,154, G>C. VCF-style: chr10-86687154-G-C. GRCh37 (hg19) VCF-style: chr10-88446911-G-C.
Other names: c.430G>C, p.Gly144Arg (NM_001080114.2, NM_001080116.1, NM_001368066.1 and 1 more transcripts); c.775G>C, p.Gly259Arg (NM_001171610.2, NM_001171611.2); c.690-4742G>C (NM_001368064.1, NM_001368063.1, NM_007078.3 and 2 more transcripts); short protein forms G144R, G259R.
Identifiers: ClinVar variation 4845323 (VCV004845323.2).

ClinVar aggregate classification (germline): Uncertain significance (1 of 4 stars; one submission).

Conditions:
Myofibrillar myopathy 4. Also called: Zaspopathy (type). Identifiers: Orphanet 98912, MedGen C4721886, MONDO:0012277, OMIM 609452.

Submission:

Victorian Clinical Genetics Services, Murdoch Childrens Research Institute
Classification: Uncertain significance for Myofibrillar myopathy 4. Last evaluated: 2026-02-26. Review status: criteria provided, single submitter. Criteria: ACMG Guidelines, 2015. Collection method: clinical testing. Allele origin: germline. Affected: yes.
Comment: This variant is classified as VUS-3B. Evidence in support of pathogenic classification: Variant is absent from gnomAD (v2, v3 and v4); Missense variant predicted to be damaging by in silico tool(s) or highly conserved with a major amino acid change. Additional information: Variant is predicted to result in a missense amino acid change from Gly to Arg; This variant is non-coding in an alternative transcript. This variant is deep intronic in the MANE transcript (NM_007078.3) which contains exon 4 and is highly expressed in cardiac tissue (GTEx). While NM_001368067.1 is the MANE plus clinical transcript, which is more highly expressed in skeletal muscle (GTEx); This variant is heterozygous; This gene is associated with both recessive and dominant disease (OMIM); Alternative amino acid change(s) at the same position are present in gnomAD (highest allele count: v4: 16 heterozygote(s), 0 homozygote(s)); This variant has no previous evidence of pathogenicity; No published evidence of segregation with disease has been identified for this variant; No published functional evidence has been identified for this variant; Another missense variant comparable to the one identified in this case has inconclusive previous evidence for pathogenicity. The p.(Gly144Ser) variant has been classified as a VUS by clinical laboratories in ClinVar; Variant is located in the annotated actin-binding region (PMID: 28349680); Loss of function is a known mechanism of disease in this gene and is associated with autosomal recessive cardiomyopathy, dilated, 2L (MIM#621237; PMID: 36253531). Monoallelic missense variants have been associated with cardiomyopathy, dilated, 1C, with or without LVNC (MIM#601493), cardiomyopathy, hypertrophic, 24 (MIM#601493), left ventricular noncompaction 3 (MIM#601493), and with myopathy, myofibrillar, 4 (MIM#609452). The mechanism of disease for monoallelic variants is yet to be elucidated (PMID: 33802723) and the association with monoallelic DCM is limited (ClinGen, PanelApp Australia); Inheritance information for this variant is not currently available in this individual.

Literature cited by the submitters: PubMed 36253531; PubMed 28349680; PubMed 33802723.